The following is an entry in ClinVar:

NM_001009944.3(PKD1):c.11376G>C (p.Ser3792=)

Genes: PKD1 (polycystin 1, transient receptor potential channel interacting; minus strand), PKD1-AS1 (PKD1 antisense RNA 1; plus strand). Cytogenetic location: 16p13.3.
Variant type: single nucleotide variant.
Coding change: c.11376G>C on transcript NM_001009944.3 (MANE Select); coding-DNA position 11376, G replaced by C.
Protein change: p.Ser3792=; no amino-acid change (serine 3792 retained).
Molecular consequence: synonymous variant.
Genome position (GRCh38, 1-based): chr16:2,092,082, C>G on the plus strand (G>C on the coding strand, the complement: PKD1 is on the minus strand). VCF-style: chr16-2092082-C-G. GRCh37 (hg19) VCF-style: chr16-2142083-C-G.
Other names: p.Ser3792=; c.11373G>C, p.Ser3791= (NM_000296.4).
Identifiers: ClinVar variation 976834 (VCV000976834.38), dbSNP rs201509188, ClinGen allele CA7829168.

ClinVar aggregate classification (germline): Benign/Likely benign. Review status: criteria provided, multiple submitters, no conflicts (2 of 4 stars). 11 submissions from 11 submitters: Benign (2); Likely benign (7). 2 of the submissions do not count toward it. Last evaluated 2025-06-15.

Conditions:
Autosomal dominant polycystic kidney disease. Identifiers: Orphanet 730, MedGen C0085413, MONDO:0004691.
PKD1-related disorder. Also called: PKD1-related condition.
Polycystic kidney disease, adult type (PKD1). Also called: Polycystic Kidney, Autosomal Dominant; POLYCYSTIC KIDNEY DISEASE, ADULT, TYPE I; Polycystic Kidney Disease 1, Autosomal Dominant; Polycystic kidney disease 1; Polycystic kidney disease 1, severe; POLYCYSTIC KIDNEY DISEASE 1 WITH OR WITHOUT POLYCYSTIC LIVER DISEASE. Identifiers: MedGen C3149841, MONDO:0008263, OMIM 173900.

Allele frequency attached by ClinVar (database versions not stated): 1000 Genomes Project 30x 0.00031; gnomAD 0.00074 and 0.00075; TOPMed 0.00080; ExAC 0.00098.
gnomAD v4.1: 2,084 of 1,610,992 alleles (0.13%); highest among the groups gnomAD compares: East Asian, 0.15%; 1 homozygote.

Submissions (11):

PreventionGenetics, part of Exact Sciences
Classification: Likely benign for PKD1-related condition. Last evaluated: 2025-06-15. Review status: criteria provided, single submitter. Criteria: ACMG Guidelines, 2015. Collection method: clinical testing. Allele origin: germline.
Comment: This variant is classified as likely benign based on ACMG/AMP sequence variant interpretation guidelines (Richards et al. 2015 PMID: 25741868, with internal and published modifications).

Women's Health and Genetics/Laboratory Corporation of America, LabCorp
Classification: Likely benign. Last evaluated: 2025-04-25. Review status: criteria provided, single submitter. Criteria: LabCorp Variant Classification Summary - May 2015. Collection method: clinical testing. Allele origin: germline.

Mayo Clinic Laboratories, Mayo Clinic
Classification: Likely benign. Last evaluated: 2025-02-11. Review status: criteria provided, single submitter. Criteria: ACMG Guidelines, 2015. Collection method: clinical testing. Allele origin: germline. Observed: 2 variant alleles.
Comment: BS1, BP4, BP7

CeGaT Center for Human Genetics Tuebingen
Classification: Likely benign. Last evaluated: 2025-02-01. Review status: criteria provided, single submitter. Criteria: CeGaT Center For Human Genetics Tuebingen Variant Classification Criteria Version 2. Collection method: clinical testing. Allele origin: germline. Affected: yes. Observed: 3 variant alleles.
Comment: PKD1: BP4, BP7

Blueprint Genetics
Classification: Likely benign. Last evaluated: 2024-10-17. Review status: criteria provided, single submitter. Criteria: ACMG Guidelines, 2015. Collection method: clinical testing. Allele origin: germline.

Fulgent Genetics
Classification: Likely benign for Polycystic kidney disease, adult type. Last evaluated: 2021-09-01. Review status: criteria provided, single submitter. Criteria: ACMG Guidelines, 2015. Collection method: clinical testing. Allele origin: unknown.

Athena Diagnostics
Classification: Benign. Last evaluated: 2020-04-01. Review status: criteria provided, single submitter. Criteria: Athena Diagnostics Criteria. Collection method: clinical testing. Allele origin: unknown.

GeneDx
Classification: Likely benign. Last evaluated: 2019-12-05. Review status: criteria provided, single submitter. Criteria: GeneDx Variant Classification Process June 2021. Collection method: clinical testing. Allele origin: germline. Affected: yes.

Molecular Genetics of Inherited Kidney Disorders Laboratory, Garvan Institute of Medical Research
Classification: Benign for Autosomal dominant polycystic kidney disease. Last evaluated: 2019-01-01. Review status: criteria provided, single submitter. Criteria: ACMG Guidelines, 2015. Collection method: research. Allele origin: germline. Affected: yes.

Clinical Genetics DNA and cytogenetics Diagnostics Lab, Erasmus MC, Erasmus Medical Center
Classification: Likely benign. Review status: no assertion criteria provided. Collection method: clinical testing. Allele origin: germline. Affected: yes. Study: VKGL Data-share Consensus. Not counted in ClinVar's aggregate classification.

Genome Diagnostics Laboratory, University Medical Center Utrecht
Classification: Benign. Review status: no assertion criteria provided. Collection method: clinical testing. Allele origin: germline. Affected: yes. Study: VKGL Data-share Consensus. Not counted in ClinVar's aggregate classification.